The following is an entry in ClinVar:

ClinVar aggregate classification (germline): Pathogenic (1 of 4 stars; one submission).

Conditions:
Joubert syndrome. Also called: CEREBELLOPARENCHYMAL DISORDER IV; JOUBERT-BOLTSHAUSER SYNDROME; Familial aplasia of the vermis. Identifiers: Orphanet 475, MedGen C5979921, MONDO:0018772.

Submission:

Labcorp Genetics (formerly Invitae), Labcorp
Classification: Pathogenic for Joubert syndrome. Last evaluated: 2022-09-02. Review status: criteria provided, single submitter. Criteria: Invitae Variant Classification Sherloc (09022015). Collection method: clinical testing. Allele origin: germline.
Comment: For these reasons, this variant has been classified as Pathogenic. This variant has not been reported in the literature in individuals affected with AHI1-related conditions. This variant is a gross deletion of the genomic region encompassing exon(s) 15-23 of the AHI1 gene. This deletion is out-of-frame, and is expected to create a premature termination codon and result in an absent or disrupted protein product. Loss-of-function variants in AHI1 are known to be pathogenic (PMID: 15322546, 16453322, 28442542, 29186038).

Literature cited by the submitters: PubMed 15322546; PubMed 16453322; PubMed 28442542; PubMed 29186038.

NC_000006.11:g.(?_135679250)_(135754414_?)del

Gene: AHI1 (Abelson helper integration site 1; minus strand). Cytogenetic location: 6q23.3.
Variant type: Deletion.
Identifiers: ClinVar variation 2426336 (VCV002426336.6).